The following is an entry in ClinVar:

NM_002473.6(MYH9):c.5596G>T (p.Asp1866Tyr)

Gene: MYH9 (myosin heavy chain 9; minus strand). Cytogenetic location: 22q12.3.
Variant type: single nucleotide variant.
Coding change: c.5596G>T on transcript NM_002473.6 (MANE Select); coding-DNA position 5596, G replaced by T.
Protein change: p.Asp1866Tyr; replaces aspartic acid 1866 with tyrosine.
Molecular consequence: missense variant.
Genome position (GRCh38, 1-based): chr22:36,284,262, C>A on the plus strand (G>T on the coding strand, the complement: MYH9 is on the minus strand). VCF-style: chr22-36284262-C-A. GRCh37 (hg19) VCF-style: chr22-36680308-C-A.
Other names: short protein forms D1866Y.
Identifiers: ClinVar variation 3256668 (VCV003256668.1).

ClinVar aggregate classification (germline): Uncertain significance (1 of 4 stars; one submission).

Conditions:
Macrothrombocytopenia and granulocyte inclusions with or without nephritis or sensorineural hearing loss (MATINS). Also called: BLEEDING DISORDER, PLATELET-TYPE, 6; MAY-HEGGLIN ANOMALY; DOHLE LEUKOCYTE INCLUSIONS WITH GIANT PLATELETS; MACROTHROMBOCYTOPENIA WITH LEUKOCYTE INCLUSIONS; SEBASTIAN PLATELET SYNDROME; MACROTHROMBOCYTOPENIA WITH DISPERSED LEUKOCYTIC INCLUSIONS. Identifiers: Orphanet 182050, MedGen C5200934, MONDO:0015912, OMIM 155100.

gnomAD v4.1: 1 of 1,609,782 alleles (0.000062%); highest among the groups gnomAD compares: Non-Finnish European, 0.000085%; no homozygotes.

Submission:

MVZ Medizinische Genetik Mainz
Classification: Uncertain significance for Macrothrombocytopenia and granulocyte inclusions with or without nephritis or sensorineural hearing loss. Last evaluated: 2024-03-26. Review status: criteria provided, single submitter. Criteria: UK Practice Guidelines For Variant Classification V4 01 2020. Collection method: clinical testing. Allele origin: germline. Inheritance: Autosomal dominant inheritance. Affected: yes. Observed: 1 variant allele.
Comment: ACMG Criteria: PM2_SUP,PP3